The following is an entry in ClinVar:

ClinVar aggregate classification (germline): Uncertain significance (1 of 4 stars; one submission).

Conditions:
Cerebral creatine deficiency syndrome. Also called: Creatine deficiency syndromes. Identifiers: Orphanet 79172, MedGen C5244016, MONDO:0000456.

gnomAD v4.1: 1 of 1,504,856 alleles (0.000066%); highest among the groups gnomAD compares: Non-Finnish European, 0.000088%; no homozygotes.

Submission:

Labcorp Genetics (formerly Invitae), Labcorp
Classification: Uncertain significance for Cerebral creatine deficiency syndrome. Last evaluated: 2021-03-28. Review status: criteria provided, single submitter. Criteria: Invitae Variant Classification Sherloc (09022015). Collection method: clinical testing. Allele origin: germline.
Comment: Algorithms developed to predict the effect of missense changes on protein structure and function are either unavailable or do not agree on the potential impact of this missense change (SIFT: "Deleterious"; PolyPhen-2: "Benign"; Align-GVGD: "Class C0"). This variant has not been reported in the literature in individuals with GAMT-related conditions. The frequency data for this variant in the population databases is considered unreliable, as metrics indicate insufficient coverage at this position in the ExAC database. This sequence change replaces lysine with threonine at codon 60 of the GAMT protein (p.Lys60Thr). The lysine residue is moderately conserved and there is a moderate physicochemical difference between lysine and threonine. In summary, the available evidence is currently insufficient to determine the role of this variant in disease. Therefore, it has been classified as a Variant of Uncertain Significance. Algorithms developed to predict the effect of sequence changes on RNA splicing suggest that this variant may create or strengthen a splice site, but this prediction has not been confirmed by published transcriptional studies.

NM_000156.6(GAMT):c.179A>C (p.Lys60Thr)

Genes: GAMT (guanidinoacetate N-methyltransferase; minus strand), LOC130062945 (ATAC-STARR-seq lymphoblastoid silent region 9707; plus strand). Cytogenetic location: 19p13.3.
Variant type: single nucleotide variant.
Coding change: c.179A>C on transcript NM_000156.6 (MANE Select); coding-DNA position 179, A replaced by C.
Protein change: p.Lys60Thr; replaces lysine 60 with threonine.
Molecular consequence: missense variant.
Genome position (GRCh38, 1-based): chr19:1,401,298, T>G on the plus strand (A>C on the coding strand, the complement: GAMT is on the minus strand). VCF-style: chr19-1401298-T-G. GRCh37 (hg19) VCF-style: chr19-1401297-T-G.
Other names: c.179A>C, p.Lys60Thr (NM_138924.3); short protein forms K60T.
Identifiers: ClinVar variation 1415193 (VCV001415193.8), dbSNP rs1228556317, ClinGen allele CA402997977.